The following is an entry in ClinVar:

NC_000007.13:g.(?_6031594)_(6037064_?)del

Gene: PMS2 (PMS1 homolog 2, mismatch repair system component; minus strand). Cytogenetic location: 7p22.1.
Variant type: Deletion.
Identifiers: ClinVar variation 1353796 (VCV001353796.4).

ClinVar aggregate classification (germline): Pathogenic (1 of 4 stars; one submission).

Conditions:
Hereditary nonpolyposis colorectal neoplasms. Identifiers: MedGen C0009405, MeSH D003123.

Submission:

Labcorp Genetics (formerly Invitae), Labcorp
Classification: Pathogenic for Hereditary nonpolyposis colorectal neoplasms. Last evaluated: 2023-06-25. Review status: criteria provided, single submitter. Criteria: Invitae Variant Classification Sherloc (09022015). Collection method: clinical testing. Allele origin: germline.
Comment: For these reasons, this variant has been classified as Pathogenic. This variant has not been reported in the literature in individuals affected with PMS2-related conditions. This variant is a gross deletion of the genomic region encompassing exon(s) 7-9 of the PMS2 gene. This deletion is out-of-frame, and is expected to create a premature termination codon and result in an absent or disrupted protein product. Loss-of-function variants in PMS2 are known to be pathogenic (PMID: 21376568, 24362816).

Literature cited by the submitters: PubMed 21376568; PubMed 24362816.